The following is an entry in ClinVar:

NM_001374385.1(ATP8B1):c.3482T>C (p.Val1161Ala)

Genes: ATP8B1 (ATPase phospholipid transporting 8B1; minus strand), ATP8B1-AS1 (ATP8B1 antisense RNA 1; plus strand). Cytogenetic location: 18q21.31.
Variant type: single nucleotide variant.
Coding change: c.3482T>C on transcript NM_001374385.1 (MANE Select); coding-DNA position 3482, T replaced by C.
Protein change: p.Val1161Ala; replaces valine 1161 with alanine.
Molecular consequence: missense variant.
Genome position (GRCh38, 1-based): chr18:57,650,416, A>G on the plus strand (T>C on the coding strand, the complement: ATP8B1 is on the minus strand). VCF-style: chr18-57650416-A-G. GRCh37 (hg19) VCF-style: chr18-55317648-A-G.
Other names: c.3332T>C, p.Val1111Ala (NM_001374386.1); c.3482T>C, p.Val1161Ala (NM_005603.6); short protein forms V1111A, V1161A.
Identifiers: ClinVar variation 4846302 (VCV004846302.1).
Genomic context (GRCh38, chr18:57,650,416, plus strand): 5'-ATTCTTTATACCTTATCACTTTCTGATGGCCAGATGGTCATTGACAGGAATCGAATGGCA[A>G]CGACGGGTAGTAAGCACACAGCAACAGCCAGGATGATAGTTAACCAAATGTATGGCTGTC-3'
Protein context (NP_001361314.1, residues 1151-1171): LAVAVCLLPV[Val1161Ala]AIRFLSMTIW

ClinVar aggregate classification (germline): Uncertain significance (1 of 4 stars; one submission).

Conditions:
Familial intrahepatic cholestasis. Identifiers: Orphanet 284385, MedGen CN296401, MONDO:0017290.

gnomAD v4.1: 1 of 1,614,044 alleles (0.000062%); no homozygotes.

Submission:

Genomenon, Inc
Classification: Uncertain significance for Familial intrahepatic cholestasis. Last evaluated: 2026-04-14. Review status: criteria provided, single submitter. Criteria: Genomenon Sequence Variant Interpretation Standards - Updated. Collection method: curation. Allele origin: germline. Affected: no.
Comment: ATP8B1 p.Val1161Ala (c.3482T>C) is a missense variant that changes the amino acid at residue 1161 from Valine to Alanine. This variant has been reported in the published literature (PMID:37208429). It is absent or not present at a significant frequency in gnomAD. In silico models predict that this variant is not damaging. In conclusion, we classify ATP8B1 p.Val1161Ala (c.3482T>C) as a variant of uncertain significance.

Literature cited by the submitters: PubMed 37208429.